The following is an entry in ClinVar:

NM_002230.4(JUP):c.868G>A (p.Asp290Asn)

Gene: JUP (junction plakoglobin; minus strand). Cytogenetic location: 17q21.2.
Variant type: single nucleotide variant.
Coding change: c.868G>A on transcript NM_002230.4 (MANE Select); coding-DNA position 868, G replaced by A.
Protein change: p.Asp290Asn; replaces aspartic acid 290 with asparagine.
Molecular consequence: missense variant.
Genome position (GRCh38, 1-based): chr17:41,767,420, C>T on the plus strand (G>A on the coding strand, the complement: JUP is on the minus strand). VCF-style: chr17-41767420-C-T. GRCh37 (hg19) VCF-style: chr17-39923672-C-T.
Other names: c.868G>A, p.Asp290Asn (NM_001352773.2, NM_001352774.2, NM_001352775.2 and 3 more transcripts); short protein forms D290N.
Identifiers: ClinVar variation 649199 (VCV000649199.12), dbSNP rs982161216, ClinGen allele CA290700005.
Genomic context (GRCh38, chr17:41,767,420, plus strand): 5'-AGAGTTGGGGAGGGCCCACCTTGCTCTCCTGGTTGCCGTAGGCCAGGAGCTGCAGGCAGT[C>T]GGTGGTGATGGCCAGGAACTTGGGGTTGTTCTTGTTGAGCAGGGGCACCATCTTTTGCAG-3'
Protein context (NP_002221.1, residues 280-300): NNPKFLAITT[Asp290Asn]CLQLLAYGNQ

ClinVar aggregate classification (germline): Uncertain significance. Review status: criteria provided, multiple submitters, no conflicts (2 of 4 stars). 2 submissions from 2 submitters: Uncertain significance (2). Last evaluated 2021-07-22.

Conditions:
Cardiovascular phenotype. Identifiers: MedGen CN230736.
Naxos disease (NXD). Also called: WOOLLY HAIR, PALMOPLANTAR KERATODERMA, AND CARDIAC ABNORMALITIES; CARDIOMYOPATHY, ARRHYTHMOGENIC RIGHT VENTRICULAR, WITH SKIN, HAIR, AND NAIL ABNORMALITIES; KERATOSIS PALMOPLANTARIS WITH ARRHYTHMOGENIC CARDIOMYOPATHY; MAL DE NAXOS; PALMOPLANTAR KERATODERMA WITH ARRHYTHMOGENIC RIGHT VENTRICULAR CARDIOMYOPATHY AND WOOLLY HAIR. Identifiers: Orphanet 34217, MedGen C1832600, MONDO:0011017, OMIM 601214.
Arrhythmogenic right ventricular dysplasia 12. Also called: ARRHYTHMOGENIC RIGHT VENTRICULAR DYSPLASIA, FAMILIAL, 12. Identifiers: MedGen C1969081, MONDO:0012684, OMIM 611528.

Allele frequency attached by ClinVar (database versions not stated): gnomAD exomes below 0.00001 and 0.00001; gnomAD 0.00001.
gnomAD v4.1: 16 of 1,614,016 alleles (0.00099%); highest among the groups gnomAD compares: East Asian, 0.0089%; no homozygotes.

Submissions (2):

Ambry Genetics
Classification: Uncertain significance for Cardiovascular phenotype. Last evaluated: 2021-07-22. Review status: criteria provided, single submitter. Criteria: Ambry Variant Classification Scheme 2023. Collection method: clinical testing. Allele origin: germline.
Comment: The p.D290N variant (also known as c.868G>A), located in coding exon 4 of the JUP gene, results from a G to A substitution at nucleotide position 868. The aspartic acid at codon 290 is replaced by asparagine, an amino acid with highly similar properties. This amino acid position is conserved. In addition, the in silico prediction for this alteration is inconclusive. Since supporting evidence is limited at this time, the clinical significance of this alteration remains unclear.

Labcorp Genetics (formerly Invitae), Labcorp
Classification: Uncertain significance for Arrhythmogenic right ventricular dysplasia 12; Naxos disease. Last evaluated: 2019-05-21. Review status: criteria provided, single submitter. Criteria: Invitae Variant Classification Sherloc (09022015). Collection method: clinical testing. Allele origin: germline.
Comment: Algorithms developed to predict the effect of missense changes on protein structure and function are either unavailable or do not agree on the potential impact of this missense change (SIFT: "Tolerated"; PolyPhen-2: "Probably Damaging"; Align-GVGD: "Class C0"). This variant has not been reported in the literature in individuals with JUP-related disease. This variant is not present in population databases (ExAC no frequency). This sequence change replaces aspartic acid with asparagine at codon 290 of the JUP protein (p.Asp290Asn). The aspartic acid residue is highly conserved and there is a small physicochemical difference between aspartic acid and asparagine. In summary, the available evidence is currently insufficient to determine the role of this variant in disease. Therefore, it has been classified as a Variant of Uncertain Significance.